The following is an entry in ClinVar:

ClinVar aggregate classification (germline): Uncertain significance. Review status: criteria provided, multiple submitters, no conflicts (2 of 4 stars). 2 submissions from 2 submitters: Uncertain significance (2). Last evaluated 2022-05-16.

Conditions:
Peroxisome biogenesis disorder 11A (Zellweger). Also called: Peroxisome biogenesis disorder 11A. Identifiers: Orphanet 912, MedGen C3554000, MONDO:0013949, OMIM 614883.

Allele frequency attached by ClinVar (database versions not stated): gnomAD 0.00001; ExAC 0.00002; ESP Exome Variant Server 0.00015.

Submissions (2):

GeneDx
Classification: Uncertain significance. Last evaluated: 2022-05-16. Review status: criteria provided, single submitter. Criteria: GeneDx Variant Classification Process June 2021. Collection method: clinical testing. Allele origin: germline. Affected: yes.
Comment: Not observed at significant frequency in large population cohorts (gnomAD); In silico analysis supports that this missense variant does not alter protein structure/function; Has not been previously published as pathogenic or benign to our knowledge

Labcorp Genetics (formerly Invitae), Labcorp
Classification: Uncertain significance for Peroxisome biogenesis disorder 11A (Zellweger). Last evaluated: 2022-02-11. Review status: criteria provided, single submitter. Criteria: Invitae Variant Classification Sherloc (09022015). Collection method: clinical testing. Allele origin: germline.
Comment: In summary, the available evidence is currently insufficient to determine the role of this variant in disease. Therefore, it has been classified as a Variant of Uncertain Significance. Algorithms developed to predict the effect of sequence changes on RNA splicing suggest that this variant may create or strengthen a splice site. Algorithms developed to predict the effect of missense changes on protein structure and function output the following: SIFT: "Tolerated"; PolyPhen-2: "Benign"; Align-GVGD: "Class C0". The glycine amino acid residue is found in multiple mammalian species, which suggests that this missense change does not adversely affect protein function. This variant has not been reported in the literature in individuals affected with PEX13-related conditions. This variant is present in population databases (rs374289011, gnomAD 0.01%). This sequence change replaces aspartic acid, which is acidic and polar, with glycine, which is neutral and non-polar, at codon 402 of the PEX13 protein (p.Asp402Gly).

NM_002618.4(PEX13):c.1205A>G (p.Asp402Gly)

Gene: PEX13 (peroxisomal biogenesis factor 13; plus strand). Cytogenetic location: 2p15.
Variant type: single nucleotide variant.
Coding change: c.1205A>G on transcript NM_002618.4 (MANE Select); coding-DNA position 1205, A replaced by G.
Protein change: p.Asp402Gly; replaces aspartic acid 402 with glycine.
Molecular consequence: missense variant.
Genome position (GRCh38, 1-based): chr2:61,048,763, A>G. VCF-style: chr2-61048763-A-G. GRCh37 (hg19) VCF-style: chr2-61275898-A-G.
Other names: short protein forms D402G.
Identifiers: ClinVar variation 1800504 (VCV001800504.6), dbSNP rs374289011, ClinGen allele CA1673445.